The following is an entry in ClinVar:

NM_016169.4(SUFU):c.1082T>A (p.Ile361Asn)

Gene: SUFU (SUFU negative regulator of hedgehog signaling; plus strand). Cytogenetic location: 10q24.32.
Variant type: single nucleotide variant.
Coding change: c.1082T>A on transcript NM_016169.4 (MANE Select); coding-DNA position 1082, T replaced by A.
Protein change: p.Ile361Asn; replaces isoleucine 361 with asparagine.
Molecular consequence: missense variant.
Genome position (GRCh38, 1-based): chr10:102,615,327, T>A. VCF-style: chr10-102615327-T-A. GRCh37 (hg19) VCF-style: chr10-104375084-T-A.
Other names: c.1082T>A, p.Ile361Asn (NM_001178133.2); short protein forms I361N.
Identifiers: ClinVar variation 3226854 (VCV003226854.3), dbSNP rs2492779136, ClinGen allele CA377914047.

ClinVar aggregate classification (germline): Uncertain significance. Review status: criteria provided, multiple submitters, no conflicts (2 of 4 stars). 2 submissions from 2 submitters: Uncertain significance (2). Last evaluated 2025-09-24.

Conditions:
Gorlin syndrome. Also called: Nevoid Basal Cell Carcinoma Syndrome; Basal cell nevus syndrome. Identifiers: Orphanet 377, MedGen C0004779, MONDO:0007187.
Medulloblastoma (MDB). Also called: Medulloblastoma, somatic; MEDULLOBLASTOMA PREDISPOSITION SYNDROME. Identifiers: Orphanet 616, MedGen C0025149, MeSH D008527, MONDO:0007959, OMIM 155255, HP:0002885.
Hereditary cancer-predisposing syndrome. Also called: Hereditary Cancer Syndrome; Tumor predisposition; Neoplastic Syndromes, Hereditary; Hereditary neoplastic syndrome. Identifiers: Orphanet 140162, MedGen C0027672, MeSH D009386, MONDO:0015356.

gnomAD v4.1: 2 of 1,614,148 alleles (0.00012%); highest among the groups gnomAD compares: Non-Finnish European, 0.00017%; no homozygotes.

Submissions (2):

Labcorp Genetics (formerly Invitae), Labcorp
Classification: Uncertain significance for Gorlin syndrome; Medulloblastoma. Last evaluated: 2025-09-24. Review status: criteria provided, single submitter. Criteria: Invitae Variant Classification Sherloc (09022015). Collection method: clinical testing. Allele origin: germline.
Comment: This sequence change replaces isoleucine, which is neutral and non-polar, with asparagine, which is neutral and polar, at codon 361 of the SUFU protein (p.Ile361Asn). This variant is not present in population databases (gnomAD no frequency). This variant has not been reported in the literature in individuals affected with SUFU-related conditions. ClinVar contains an entry for this variant (Variation ID: 3226854). Invitae Evidence Modeling of protein sequence and biophysical properties (such as structural, functional, and spatial information, amino acid conservation, physicochemical variation, residue mobility, and thermodynamic stability) indicates that this missense variant is not expected to disrupt SUFU protein function with a negative predictive value of 80%. In summary, the available evidence is currently insufficient to determine the role of this variant in disease. Therefore, it has been classified as a Variant of Uncertain Significance.

Ambry Genetics
Classification: Uncertain significance for Hereditary cancer-predisposing syndrome. Last evaluated: 2023-12-15. Review status: criteria provided, single submitter. Criteria: Ambry Variant Classification Scheme 2023. Collection method: clinical testing. Allele origin: germline.
Comment: The p.I361N variant (also known as c.1082T>A), located in coding exon 9 of the SUFU gene, results from a T to A substitution at nucleotide position 1082. The isoleucine at codon 361 is replaced by asparagine, an amino acid with dissimilar properties. This amino acid position is conserved. In addition, this alteration is predicted to be tolerated by in silico analysis. Since supporting evidence is limited at this time, the clinical significance of this alteration remains unclear.